The following is an entry in ClinVar:

NM_001378418.1(TCF20):c.3589C>T (p.Pro1197Ser)

Gene: TCF20 (transcription factor 20; minus strand). Cytogenetic location: 22q13.2.
Variant type: single nucleotide variant.
Coding change: c.3589C>T on transcript NM_001378418.1 (MANE Select); coding-DNA position 3589, C replaced by T.
Protein change: p.Pro1197Ser; replaces proline 1197 with serine.
Molecular consequence: missense variant.
Genome position (GRCh38, 1-based): chr22:42,211,717, G>A on the plus strand (C>T on the coding strand, the complement: TCF20 is on the minus strand). VCF-style: chr22-42211717-G-A. GRCh37 (hg19) VCF-style: chr22-42607723-G-A.
Other names: c.3589C>T, p.Pro1197Ser (NM_005650.4, NM_181492.3); short protein forms P1197S.
Identifiers: ClinVar variation 2591055 (VCV002591055.5), dbSNP rs144735319, ClinGen allele CA10266803.
Genomic context (GRCh38, chr22:42,211,717, plus strand): 5'-CATGGGGCGGCCCATACCTTTTTTGACTGGACATTCCTGGAGGACCGCTGCTTTTGGCTG[G>A]AGAAGTTTGCCGAGAAAGATCCCAACAGGATTCTTGTAACTTCTGGGAGCCATGCTTTAA-3'
Protein context (NP_001365347.1, residues 1187-1207): SCWDLSRQTS[Pro1197Ser]AKSSGPPGMS

ClinVar aggregate classification (germline): Conflicting classifications of pathogenicity. Review status: criteria provided, conflicting classifications (1 of 4 stars). 2 submissions from 2 submitters: Uncertain significance (1); Likely benign (1). Last evaluated 2024-09-14.

Conditions:
Inborn genetic diseases. Identifiers: MedGen C0950123, MeSH D030342.

Allele frequency attached by ClinVar (database versions not stated): ESP Exome Variant Server 0.00008; gnomAD 0.00009; TOPMed 0.00009; 1000 Genomes Project 0.00020; 1000 Genomes Project 30x 0.00031.
gnomAD v4.1: 295 of 1,614,160 alleles (0.018%); highest among the groups gnomAD compares: African/African-American, 0.032%; no homozygotes.

Submissions (2):

Labcorp Genetics (formerly Invitae), Labcorp
Classification: Uncertain significance. Last evaluated: 2024-09-14. Review status: criteria provided, single submitter. Criteria: Invitae Variant Classification Sherloc (09022015). Collection method: clinical testing. Allele origin: germline.
Comment: This sequence change replaces proline, which is neutral and non-polar, with serine, which is neutral and polar, at codon 1197 of the TCF20 protein (p.Pro1197Ser). This variant is present in population databases (rs144735319, gnomAD 0.02%). This variant has not been reported in the literature in individuals affected with TCF20-related conditions. ClinVar contains an entry for this variant (Variation ID: 2591055). An algorithm developed to predict the effect of missense changes on protein structure and function (PolyPhen-2) suggests that this variant is likely to be disruptive. In summary, the available evidence is currently insufficient to determine the role of this variant in disease. Therefore, it has been classified as a Variant of Uncertain Significance.

Ambry Genetics
Classification: Likely benign for Inborn genetic diseases. Last evaluated: 2023-08-08. Review status: criteria provided, single submitter. Criteria: Ambry Variant Classification Scheme 2023. Collection method: clinical testing. Allele origin: germline.